The following is an entry in ClinVar:

NM_001164277.2(SLC37A4):c.220A>G (p.Met74Val)

Gene: SLC37A4 (solute carrier family 37 member 4; minus strand). Cytogenetic location: 11q23.3.
Variant type: single nucleotide variant.
Coding change: c.220A>G on transcript NM_001164277.2 (MANE Select); coding-DNA position 220, A replaced by G.
Protein change: p.Met74Val; replaces methionine 74 with valine.
Molecular consequence: missense variant. On other transcripts: initiator codon variant (1).
Genome position (GRCh38, 1-based): chr11:119,028,355, T>C on the plus strand (A>G on the coding strand, the complement: SLC37A4 is on the minus strand). VCF-style: chr11-119028355-T-C. GRCh37 (hg19) VCF-style: chr11-118899065-T-C.
Other names: c.220A>G, p.Met74Val (NM_001164278.2, NM_001164280.2, NM_001467.6); c.1A>G, p.Met1Val (NM_001164279.2); short protein forms M1V, M74V.
Identifiers: ClinVar variation 3604317 (VCV003604317.3).

ClinVar aggregate classification (germline): Uncertain significance. Review status: criteria provided, multiple submitters, no conflicts (2 of 4 stars). 2 submissions from 2 submitters: Uncertain significance (2). Last evaluated 2026-06-11.

Conditions:
Glucose-6-phosphate transport defect (GSD1B). Also called: Glycogen Storage Disease Type Ib; GSD Ib. Identifiers: Orphanet 364, Orphanet 79259, MedGen C0268146, MONDO:0009288, OMIM 232220.
Glycogen storage disease, type I. Identifiers: Orphanet 364, MedGen C0017920, MONDO:0002413.

Submissions (2):

Myriad Genetics, Inc.
Classification: Uncertain significance for Glycogen storage disease, type I. Last evaluated: 2026-06-11. Review status: criteria provided, single submitter. Criteria: Myriad Autosomal Dominant, Autosomal Recessive and X-Linked Classification Criteria (2023). Collection method: clinical testing. Allele origin: unknown.
Comment: NM_001164277.1(SLC37A4):c.220A>G(M74V) is a missense variant classified as a variant of uncertain significance in the context of glycogen storage disease type Ib. M74V has not been observed in cases with relevant disease. Relevant functional assessments of this variant are not available in the literature. M74V has not been observed in referenced population frequency databases. In summary, there is insufficient evidence to classify NM_001164277.1(SLC37A4):c.220A>G(M74V) as pathogenic or benign. Please note: this variant was assessed in the context of healthy population screening.

Labcorp Genetics (formerly Invitae), Labcorp
Classification: Uncertain significance for Glucose-6-phosphate transport defect. Last evaluated: 2024-08-27. Review status: criteria provided, single submitter. Criteria: Invitae Variant Classification Sherloc (09022015). Collection method: clinical testing. Allele origin: germline.
Comment: This sequence change replaces methionine, which is neutral and non-polar, with valine, which is neutral and non-polar, at codon 74 of the SLC37A4 protein (p.Met74Val). This variant is not present in population databases (gnomAD no frequency). This variant has not been reported in the literature in individuals affected with SLC37A4-related conditions. Invitae Evidence Modeling of protein sequence and biophysical properties (such as structural, functional, and spatial information, amino acid conservation, physicochemical variation, residue mobility, and thermodynamic stability) indicates that this missense variant is not expected to disrupt SLC37A4 protein function with a negative predictive value of 80%. Algorithms developed to predict the effect of sequence changes on RNA splicing suggest that this variant may disrupt the consensus splice site. In summary, the available evidence is currently insufficient to determine the role of this variant in disease. Therefore, it has been classified as a Variant of Uncertain Significance.